The following is an entry in ClinVar:

NM_003401.5(XRCC4):c.894-7G>A

Gene: XRCC4 (X-ray repair cross complementing 4; plus strand). Cytogenetic location: 5q14.2.
Variant type: single nucleotide variant.
Coding change: c.894-7G>A on transcript NM_003401.5 (MANE Select); 7 bases into the intron before coding-DNA position 894, G replaced by A.
Molecular consequence: intron variant. On other transcripts: splice acceptor variant (2).
Genome position (GRCh38, 1-based): chr5:83,353,124, G>A. VCF-style: chr5-83353124-G-A. GRCh37 (hg19) VCF-style: chr5-82648943-G-A.
Other names: c.894-1G>A (NM_001318012.3, NM_022406.5); c.894-7G>A (NM_022550.4).
Identifiers: ClinVar variation 1237727 (VCV001237727.13), dbSNP rs1805377, ClinGen allele CA3332303.

ClinVar aggregate classification (germline): Benign. Review status: criteria provided, multiple submitters, no conflicts (2 of 4 stars). 3 submissions from 3 submitters: Benign (3). Last evaluated 2026-02-04.

Allele frequency attached by ClinVar (database versions not stated): gnomAD exomes 0.14781 and 0.22570; ESP Exome Variant Server 0.22958; ExAC 0.23018; gnomAD 0.25370 and 0.25554; TOPMed 0.27844; 1000 Genomes Project 30x 0.37289; 1000 Genomes Project 0.37520.
gnomAD v4.1: 253,043 of 1,588,702 alleles (16%); highest among the groups gnomAD compares: East Asian, 70%; 33,283 homozygotes.

Submissions (35):

Labcorp Genetics (formerly Invitae), Labcorp
Classification: Benign. Last evaluated: 2026-02-04. Review status: criteria provided, single submitter. Criteria: Invitae Variant Classification Sherloc (09022015). Collection method: clinical testing. Allele origin: germline.

Blueprint Genetics
Classification: Benign. Last evaluated: 2024-11-26. Review status: criteria provided, single submitter. Criteria: ACMG Guidelines, 2015. Collection method: clinical testing. Allele origin: germline.

GeneDx
Classification: Benign. Last evaluated: 2018-11-13. Review status: criteria provided, single submitter. Criteria: GeneDx Variant Classification Process June 2021. Collection method: clinical testing. Allele origin: germline. Affected: yes.
Comment: This variant is associated with the following publications: (PMID: 23663450, 17557904, 19408343)

Dr. Peter K. Rogan Lab, Western University
No classification provided (evidence only). Condition: Familial cancer of breast. Review status: no classification provided. Collection method: in vitro. Allele origin: not applicable. Functional consequence: retained intron. Not counted in ClinVar's aggregate classification.

Dr. Peter K. Rogan Lab, Western University
No classification provided (evidence only). Condition: Colorectal cancer. Review status: no classification provided. Collection method: in vitro. Allele origin: not applicable. Functional consequence: retained intron. Not counted in ClinVar's aggregate classification.

Dr. Peter K. Rogan Lab, Western University
No classification provided (evidence only). Condition: Colorectal cancer. Review status: no classification provided. Collection method: in vitro. Allele origin: not applicable. Functional consequence: retained intron. Not counted in ClinVar's aggregate classification.

Dr. Peter K. Rogan Lab, Western University
No classification provided (evidence only). Condition: Colorectal cancer. Review status: no classification provided. Collection method: in vitro. Allele origin: not applicable. Functional consequence: retained intron. Not counted in ClinVar's aggregate classification.

Dr. Peter K. Rogan Lab, Western University
No classification provided (evidence only). Condition: Colorectal cancer. Review status: no classification provided. Collection method: in vitro. Allele origin: not applicable. Functional consequence: retained intron. Not counted in ClinVar's aggregate classification.

Dr. Peter K. Rogan Lab, Western University
No classification provided (evidence only). Condition: Colorectal cancer. Review status: no classification provided. Collection method: in vitro. Allele origin: not applicable. Functional consequence: retained intron. Not counted in ClinVar's aggregate classification.

Dr. Peter K. Rogan Lab, Western University
No classification provided (evidence only). Condition: Colorectal cancer. Review status: no classification provided. Collection method: in vitro. Allele origin: not applicable. Functional consequence: retained intron. Not counted in ClinVar's aggregate classification.

Dr. Peter K. Rogan Lab, Western University
No classification provided (evidence only). Condition: Colorectal cancer. Review status: no classification provided. Collection method: in vitro. Allele origin: not applicable. Functional consequence: retained intron. Not counted in ClinVar's aggregate classification.

Dr. Peter K. Rogan Lab, Western University
No classification provided (evidence only). Condition: Uterine carcinosarcoma. Review status: no classification provided. Collection method: in vitro. Allele origin: not applicable. Functional consequence: retained intron. Not counted in ClinVar's aggregate classification.

Dr. Peter K. Rogan Lab, Western University
No classification provided (evidence only). Condition: Uterine carcinosarcoma. Review status: no classification provided. Collection method: in vitro. Allele origin: not applicable. Functional consequence: retained intron. Not counted in ClinVar's aggregate classification.

Dr. Peter K. Rogan Lab, Western University
No classification provided (evidence only). Condition: Uterine carcinosarcoma. Review status: no classification provided. Collection method: in vitro. Allele origin: not applicable. Functional consequence: retained intron. Not counted in ClinVar's aggregate classification.

Dr. Peter K. Rogan Lab, Western University
No classification provided (evidence only). Condition: Uveal melanoma. Review status: no classification provided. Collection method: in vitro. Allele origin: not applicable. Functional consequence: retained intron. Not counted in ClinVar's aggregate classification.

Dr. Peter K. Rogan Lab, Western University
No classification provided (evidence only). Condition: Uveal melanoma. Review status: no classification provided. Collection method: in vitro. Allele origin: not applicable. Functional consequence: retained intron. Not counted in ClinVar's aggregate classification.

Dr. Peter K. Rogan Lab, Western University
No classification provided (evidence only). Condition: Chronic lymphocytic leukemia/small lymphocytic lymphoma. Review status: no classification provided. Collection method: in vitro. Allele origin: not applicable. Functional consequence: retained intron. Not counted in ClinVar's aggregate classification.

Dr. Peter K. Rogan Lab, Western University
No classification provided (evidence only). Condition: Chronic lymphocytic leukemia/small lymphocytic lymphoma. Review status: no classification provided. Collection method: in vitro. Allele origin: not applicable. Functional consequence: retained intron. Not counted in ClinVar's aggregate classification.

Dr. Peter K. Rogan Lab, Western University
No classification provided (evidence only). Condition: Chronic lymphocytic leukemia/small lymphocytic lymphoma. Review status: no classification provided. Collection method: in vitro. Allele origin: not applicable. Functional consequence: retained intron. Not counted in ClinVar's aggregate classification.

Dr. Peter K. Rogan Lab, Western University
No classification provided (evidence only). Condition: Chronic lymphocytic leukemia/small lymphocytic lymphoma. Review status: no classification provided. Collection method: in vitro. Allele origin: not applicable. Functional consequence: retained intron. Not counted in ClinVar's aggregate classification.

Dr. Peter K. Rogan Lab, Western University
No classification provided (evidence only). Condition: Chronic lymphocytic leukemia/small lymphocytic lymphoma. Review status: no classification provided. Collection method: in vitro. Allele origin: not applicable. Functional consequence: retained intron. Not counted in ClinVar's aggregate classification.

Dr. Peter K. Rogan Lab, Western University
No classification provided (evidence only). Condition: Chronic lymphocytic leukemia/small lymphocytic lymphoma. Review status: no classification provided. Collection method: in vitro. Allele origin: not applicable. Functional consequence: retained intron. Not counted in ClinVar's aggregate classification.

Dr. Peter K. Rogan Lab, Western University
No classification provided (evidence only). Condition: Chronic lymphocytic leukemia/small lymphocytic lymphoma. Review status: no classification provided. Collection method: in vitro. Allele origin: not applicable. Functional consequence: retained intron. Not counted in ClinVar's aggregate classification.

Dr. Peter K. Rogan Lab, Western University
No classification provided (evidence only). Condition: Chronic lymphocytic leukemia/small lymphocytic lymphoma. Review status: no classification provided. Collection method: in vitro. Allele origin: not applicable. Functional consequence: retained intron. Not counted in ClinVar's aggregate classification.

Dr. Peter K. Rogan Lab, Western University
No classification provided (evidence only). Condition: Chronic lymphocytic leukemia/small lymphocytic lymphoma. Review status: no classification provided. Collection method: in vitro. Allele origin: not applicable. Functional consequence: retained intron. Not counted in ClinVar's aggregate classification.

Dr. Peter K. Rogan Lab, Western University
No classification provided (evidence only). Condition: Nonpapillary renal cell carcinoma. Review status: no classification provided. Collection method: in vitro. Allele origin: not applicable. Functional consequence: retained intron. Not counted in ClinVar's aggregate classification.

Dr. Peter K. Rogan Lab, Western University
No classification provided (evidence only). Condition: Nonpapillary renal cell carcinoma. Review status: no classification provided. Collection method: in vitro. Allele origin: not applicable. Functional consequence: retained intron. Not counted in ClinVar's aggregate classification.

Dr. Peter K. Rogan Lab, Western University
No classification provided (evidence only). Condition: Nonpapillary renal cell carcinoma. Review status: no classification provided. Collection method: in vitro. Allele origin: not applicable. Functional consequence: retained intron. Not counted in ClinVar's aggregate classification.

Dr. Peter K. Rogan Lab, Western University
No classification provided (evidence only). Condition: Ovarian cancer. Review status: no classification provided. Collection method: in vitro. Allele origin: not applicable. Functional consequence: retained intron. Not counted in ClinVar's aggregate classification.

Dr. Peter K. Rogan Lab, Western University
No classification provided (evidence only). Condition: Ovarian cancer. Review status: no classification provided. Collection method: in vitro. Allele origin: not applicable. Functional consequence: retained intron. Not counted in ClinVar's aggregate classification.

Dr. Peter K. Rogan Lab, Western University
No classification provided (evidence only). Condition: Ovarian cancer. Review status: no classification provided. Collection method: in vitro. Allele origin: not applicable. Functional consequence: retained intron. Not counted in ClinVar's aggregate classification.

Dr. Peter K. Rogan Lab, Western University
No classification provided (evidence only). Condition: Ovarian cancer. Review status: no classification provided. Collection method: in vitro. Allele origin: not applicable. Functional consequence: retained intron. Not counted in ClinVar's aggregate classification.

Dr. Peter K. Rogan Lab, Western University
No classification provided (evidence only). Condition: Ovarian cancer. Review status: no classification provided. Collection method: in vitro. Allele origin: not applicable. Functional consequence: retained intron. Not counted in ClinVar's aggregate classification.

Dr. Peter K. Rogan Lab, Western University
No classification provided (evidence only). Condition: Ovarian cancer. Review status: no classification provided. Collection method: in vitro. Allele origin: not applicable. Functional consequence: retained intron. Not counted in ClinVar's aggregate classification.

Dr. Peter K. Rogan Lab, Western University
No classification provided (evidence only). Condition: Ovarian cancer. Review status: no classification provided. Collection method: in vitro. Allele origin: not applicable. Functional consequence: retained intron. Not counted in ClinVar's aggregate classification.